The following is an entry in ClinVar:

ClinVar aggregate classification (germline): Likely benign (1 of 4 stars; one submission).

Allele frequency attached by ClinVar (database versions not stated): gnomAD exomes below 0.00001.

Submission:

GeneDx
Classification: Likely benign. Last evaluated: 2018-05-31. Review status: criteria provided, single submitter. Criteria: GeneDx Variant Classification (06012015). Collection method: clinical testing. Allele origin: germline. Affected: yes.
Comment: This variant is considered likely benign or benign based on one or more of the following criteria: it is a conservative change, it occurs at a poorly conserved position in the protein, it is predicted to be benign by multiple in silico algorithms, and/or has population frequency not consistent with disease.

NM_173630.4(RTTN):c.3157T>C (p.Leu1053=)

Gene: RTTN (rotatin; minus strand). Cytogenetic location: 18q22.2.
Variant type: single nucleotide variant.
Coding change: c.3157T>C on transcript NM_173630.4 (MANE Select); coding-DNA position 3157, T replaced by C.
Protein change: p.Leu1053=; no amino-acid change (leucine 1053 retained).
Molecular consequence: synonymous variant.
Genome position (GRCh38, 1-based): chr18:70,127,728, A>G on the plus strand (T>C on the coding strand, the complement: RTTN is on the minus strand). VCF-style: chr18-70127728-A-G. GRCh37 (hg19) VCF-style: chr18-67794964-A-G.
Other names: c.421T>C, p.Leu141= (NM_001318520.2).
Identifiers: ClinVar variation 668415 (VCV000668415.1), dbSNP rs1599682423, ClinGen allele CA504562370.